The following is an entry in ClinVar:

NM_001374258.1(BRAF):c.2420A>C (p.Lys807Thr)

Gene: BRAF (B-Raf proto-oncogene, serine/threonine kinase; minus strand). Cytogenetic location: 7q34.
Variant type: single nucleotide variant.
Coding change: c.2420A>C on transcript NM_001374258.1 (MANE Plus Clinical); coding-DNA position 2420, A replaced by C.
Protein change: p.Lys807Thr; replaces lysine 807 with threonine.
Molecular consequence: missense variant. On other transcripts: intron variant (1).
Genome position (GRCh38, 1-based): chr7:140,726,498, T>G on the plus strand (A>C on the coding strand, the complement: BRAF is on the minus strand). VCF-style: chr7-140726498-T-G. GRCh37 (hg19) VCF-style: chr7-140426298-T-G.
Other names: c.2300A>C, p.Lys767Thr (NM_001354609.2); c.2309A>C, p.Lys770Thr (NM_001378467.1); c.2146A>C, p.Ser716Arg (NM_001378468.1); c.2198A>C, p.Lys733Thr (NM_001378470.1); c.2189A>C, p.Lys730Thr (NM_001378471.1); c.2144A>C, p.Lys715Thr (NM_001378472.1); c.2036A>C, p.Lys679Thr (NM_001378475.1); c.2128-10462A>C (NM_001378474.1); short protein forms K679T, K715T, K730T, K733T, K767T, K770T, K807T, S716R.
Identifiers: ClinVar variation 4881354 (VCV004881354.2).

ClinVar aggregate classification (germline): Uncertain significance (1 of 4 stars; one submission).

gnomAD v4.1: 10 of 1,536,496 alleles (0.00065%); highest among the groups gnomAD compares: Admixed American, 0.012%; no homozygotes.

Submission:

Dasa
Classification: Uncertain significance. Last evaluated: 2025-09-30. Review status: criteria provided, single submitter. Criteria: DASA Assertion Criteria. Collection method: clinical testing. Allele origin: germline.
Comment: NM_001378468.1(BRAF):c.2146A>C (p.Ser716Arg) is a missense variant that results in the substitution of serine with arginine. This variant is rare in population databases. The currently available literature and clinical evidence are not sufficient to establish a definitive association between this variant and the reported condition. Therefore, this variant is classified as a variant of uncertain significance.